The following is an entry in ClinVar:

ClinVar aggregate classification (germline): Uncertain significance (1 of 4 stars; one submission).

Conditions:
Hereditary cancer-predisposing syndrome. Also called: Neoplastic Syndromes, Hereditary; Tumor predisposition; Hereditary Cancer Syndrome; Hereditary neoplastic syndrome. Identifiers: Orphanet 140162, MedGen C0027672, MeSH D009386, MONDO:0015356.

Allele frequency attached by ClinVar (database versions not stated): gnomAD exomes below 0.00001; TOPMed 0.00001.
gnomAD v4.1: 1 of 1,613,506 alleles (0.000062%); highest among the groups gnomAD compares: African/African-American, 0.0013%; no homozygotes.

Submission:

Ambry Genetics
Classification: Uncertain significance for Hereditary cancer-predisposing syndrome. Last evaluated: 2022-04-02. Review status: criteria provided, single submitter. Criteria: Ambry Variant Classification Scheme 2023. Collection method: clinical testing. Allele origin: germline.
Comment: The p.P532S variant (also known as c.1594C>T), located in coding exon 11 of the PTCH1 gene, results from a C to T substitution at nucleotide position 1594. The proline at codon 532 is replaced by serine, an amino acid with similar properties. This amino acid position is conserved. In addition, the in silico prediction for this alteration is inconclusive. Since supporting evidence is limited at this time, the clinical significance of this alteration remains unclear.

NM_000264.5(PTCH1):c.1594C>T (p.Pro532Ser)

Gene: PTCH1 (patched 1; minus strand). Cytogenetic location: 9q22.32.
Variant type: single nucleotide variant.
Coding change: c.1594C>T on transcript NM_000264.5 (MANE Select); coding-DNA position 1594, C replaced by T.
Protein change: p.Pro532Ser; replaces proline 532 with serine.
Molecular consequence: missense variant. On other transcripts: non-coding transcript variant (1).
Genome position (GRCh38, 1-based): chr9:95,476,767, G>A on the plus strand (C>T on the coding strand, the complement: PTCH1 is on the minus strand). VCF-style: chr9-95476767-G-A. GRCh37 (hg19) VCF-style: chr9-98239049-G-A.
Other names: c.1438C>T, p.Pro480Ser (NM_001354918.2); c.1396C>T, p.Pro466Ser (NM_001083602.3); c.1591C>T, p.Pro531Ser (NM_001083603.3); c.1141C>T, p.Pro381Ser (NM_001083604.3, NM_001083605.3, NM_001083606.3 and 1 more transcripts); short protein forms P466S, P480S, P532S, P381S, P531S.
Identifiers: ClinVar variation 1775985 (VCV001775985.2), dbSNP rs1841072575, ClinGen allele CA374118160.
Genomic context (GRCh38, chr9:95,476,767, plus strand): 5'-ACAGAGGAAGCTGTGATGTCCCCAAAGCTCTCTTCTTTTGTTTTTGCATTACCTCAAAAG[G>A]GATTCTTTTATTCTGTCCTGTTTCACTGAAGGCGTGGGCCAGAAGAAAAACATCATCCAC-3'
Protein context (NP_000255.2, residues 522-542): FSETGQNKRI[Pro532Ser]FEDRTGECLK